The following is an entry in ClinVar:

ClinVar aggregate classification (germline): Uncertain significance (1 of 4 stars; one submission).

Conditions:
EPILEPSY, CHILDHOOD ABSENCE, SUSCEPTIBILITY TO, 2 (ECA2). Identifiers: Orphanet 64280, MedGen C1843244, OMIM 607681.
Febrile seizures, familial, 8 (FEB8). Also called: CONVULSIONS, FAMILIAL FEBRILE, 8. Identifiers: Orphanet 36387, MedGen C1969810, MONDO:0011891, OMIM 607681.

Allele frequency attached by ClinVar (database versions not stated): ExAC 0.00002; gnomAD 0.00002; gnomAD exomes 0.00002; TOPMed 0.00005.
gnomAD v4.1: 31 of 1,613,200 alleles (0.0019%); highest among the groups gnomAD compares: Admixed American, 0.005%; 1 homozygote.

Submission:

Labcorp Genetics (formerly Invitae), Labcorp
Classification: Uncertain significance for Febrile seizures, familial, 8; EPILEPSY, CHILDHOOD ABSENCE, SUSCEPTIBILITY TO, 2. Last evaluated: 2025-07-15. Review status: criteria provided, single submitter. Criteria: Invitae Variant Classification Sherloc (09022015). Collection method: clinical testing. Allele origin: germline.
Comment: This sequence change replaces asparagine, which is neutral and polar, with lysine, which is basic and polar, at codon 72 of the GABRG2 protein (p.Asn72Lys). This variant is present in population databases (rs768062008, gnomAD 0.005%). This variant has not been reported in the literature in individuals affected with GABRG2-related conditions. ClinVar contains an entry for this variant (Variation ID: 1903736). Invitae Evidence Modeling of protein sequence and biophysical properties (such as structural, functional, and spatial information, amino acid conservation, physicochemical variation, residue mobility, and thermodynamic stability) indicates that this missense variant is not expected to disrupt GABRG2 protein function with a negative predictive value of 95%. In summary, the available evidence is currently insufficient to determine the role of this variant in disease. Therefore, it has been classified as a Variant of Uncertain Significance.

NM_198904.4(GABRG2):c.216C>A (p.Asn72Lys)

Gene: GABRG2 (gamma-aminobutyric acid type A receptor subunit gamma2; plus strand). Cytogenetic location: 5q34.
Variant type: single nucleotide variant.
Coding change: c.216C>A on transcript NM_198904.4 (MANE Select); coding-DNA position 216, C replaced by A.
Protein change: p.Asn72Lys; replaces asparagine 72 with lysine.
Molecular consequence: missense variant. On other transcripts: 5 prime UTR variant (3).
Genome position (GRCh38, 1-based): chr5:162,093,936, C>A. VCF-style: chr5-162093936-C-A. GRCh37 (hg19) VCF-style: chr5-161520942-C-A.
Other names: c.216C>A, p.Asn72Lys (NM_000816.3, NM_001375340.1, NM_001375341.1 and 4 more transcripts); c.207C>A, p.Asn69Lys (NM_001375339.1); c.150C>A, p.Asn50Lys (NM_001375345.1, NM_001375346.1); c.129C>A, p.Asn43Lys (NM_001375347.1); c.-143C>A (NM_001375348.1, NM_001375350.1); c.-70C>A (NM_001375349.1); short protein forms N50K, N72K, N43K, N69K.
Identifiers: ClinVar variation 1903736 (VCV001903736.5), dbSNP rs768062008, ClinGen allele CA3544684.
Genomic context (GRCh38, chr5:162,093,936, plus strand): 5'-CAAAACATGGGTCTTGACTCCAAAAGTTCCTGAGGGTGATGTCACTGTCATCTTAAACAA[C>A]CTGCTGGAAGGATATGACAATAAACTTCGGCCTGATATAGGAGGTTTGTTAAAGTCTTTT-3'
Protein context (NP_944494.1, residues 62-82): PEGDVTVILN[Asn72Lys]LLEGYDNKLR